The following is an entry in ClinVar:

NM_002473.6(MYH9):c.255C>T (p.Asp85=)

Gene: MYH9 (myosin heavy chain 9; minus strand). Cytogenetic location: 22q12.3.
Variant type: single nucleotide variant.
Coding change: c.255C>T on transcript NM_002473.6 (MANE Select); coding-DNA position 255, C replaced by T.
Protein change: p.Asp85=; no amino-acid change (aspartic acid 85 retained).
Molecular consequence: synonymous variant.
Genome position (GRCh38, 1-based): chr22:36,348,982, G>A on the plus strand (C>T on the coding strand, the complement: MYH9 is on the minus strand). VCF-style: chr22-36348982-G-A. GRCh37 (hg19) VCF-style: chr22-36745027-G-A.
Identifiers: ClinVar variation 667051 (VCV000667051.15), dbSNP rs569718443, ClinGen allele CA10210697.

ClinVar aggregate classification (germline): Benign/Likely benign. Review status: criteria provided, multiple submitters, no conflicts (2 of 4 stars). 5 submissions from 5 submitters: Benign (3); Likely benign (2). Last evaluated 2026-01-12.

Conditions:
Macrothrombocytopenia and granulocyte inclusions with or without nephritis or sensorineural hearing loss (MATINS). Also called: BLEEDING DISORDER, PLATELET-TYPE, 6; MAY-HEGGLIN ANOMALY; MYH9-Related Disease (MYH9-RD); DOHLE LEUKOCYTE INCLUSIONS WITH GIANT PLATELETS; MACROTHROMBOCYTOPENIA WITH LEUKOCYTE INCLUSIONS; Fechtner syndrome. Identifiers: Orphanet 182050, MedGen C5200934, MONDO:0015912, OMIM 155100.
Autosomal dominant nonsyndromic hearing loss 17. Also called: Deafness, autosomal dominant 17; Autosomal dominant nonsyndromic deafness 17. Identifiers: Orphanet 90635, MedGen C1863659, MONDO:0011350, OMIM 603622.

Allele frequency attached by ClinVar (database versions not stated): gnomAD below 0.00001 and 0.00031; TOPMed 0.00005; gnomAD exomes 0.00038 and 0.00077; ExAC 0.00088; 1000 Genomes Project 30x 0.00422; 1000 Genomes Project 0.00459.
gnomAD v4.1: 604 of 1,614,236 alleles (0.037%); highest among the groups gnomAD compares: South Asian, 0.63%; 6 homozygotes.

Submissions (5):

Labcorp Genetics (formerly Invitae), Labcorp
Classification: Benign. Last evaluated: 2026-01-12. Review status: criteria provided, single submitter. Criteria: Invitae Variant Classification Sherloc (09022015). Collection method: clinical testing. Allele origin: germline.

Blueprint Genetics
Classification: Likely benign. Last evaluated: 2024-11-19. Review status: criteria provided, single submitter. Criteria: ACMG Guidelines, 2015. Collection method: clinical testing. Allele origin: germline.

Fulgent Genetics
Classification: Likely benign for Macrothrombocytopenia and granulocyte inclusions with or without nephritis or sensorineural hearing loss; Autosomal dominant nonsyndromic hearing loss 17. Last evaluated: 2021-07-23. Review status: criteria provided, single submitter. Criteria: ACMG Guidelines, 2015. Collection method: clinical testing. Allele origin: unknown.

GeneDx
Classification: Benign. Last evaluated: 2018-11-30. Review status: criteria provided, single submitter. Criteria: GeneDx Variant Classification Process June 2021. Collection method: clinical testing. Allele origin: germline. Affected: yes.

Laboratory for Molecular Medicine, Mass General Brigham Personalized Medicine
Classification: Benign. Last evaluated: 2016-03-21. Review status: criteria provided, single submitter. Criteria: LMM Criteria. Collection method: clinical testing. Allele origin: germline. Observed: 1 variant allele.
Comment: p.Asp85Asp in exon 2 of MYH9: This variant is not expected to have clinical sign ificance because it does not alter an amino acid residue, is not located within the splice consensus sequence, and has been identified in 2.35% (23/978) of Sout h Asian chromosomes by the 1000 Genomes Project (Phase 3; dbSNP rs569718443).